The following is an entry in ClinVar:

NM_020987.5(ANK3):c.12769A>G (p.Ile4257Val)

Gene: ANK3 (ankyrin 3; minus strand). Cytogenetic location: 10q21.2.
Variant type: single nucleotide variant.
Coding change: c.12769A>G on transcript NM_020987.5 (MANE Select); coding-DNA position 12769, A replaced by G.
Protein change: p.Ile4257Val; replaces isoleucine 4257 with valine.
Molecular consequence: missense variant.
Genome position (GRCh38, 1-based): chr10:60,055,954, T>C on the plus strand (A>G on the coding strand, the complement: ANK3 is on the minus strand). VCF-style: chr10-60055954-T-C. GRCh37 (hg19) VCF-style: chr10-61815712-T-C.
Other names: c.2641A>G, p.Ile881Val (NM_001149.4); c.5221A>G, p.Ile1741Val (NM_001204403.2); c.5242A>G, p.Ile1748Val (NM_001204404.2); c.5239A>G, p.Ile1747Val (NM_001320874.2); short protein forms I1741V, I4257V, I1747V, I1748V, I881V.
Identifiers: ClinVar variation 128363 (VCV000128363.19), dbSNP rs12261793, ClinGen allele CA151774.

ClinVar aggregate classification (germline): Benign. Review status: criteria provided, multiple submitters, no conflicts (2 of 4 stars). 4 submissions from 4 submitters: Benign (2). 2 of the submissions do not count toward it. Last evaluated 2026-01-27.

Conditions:
ANK3-related disorder. Also called: ANK3-related condition.

Allele frequency attached by ClinVar (database versions not stated): gnomAD exomes 0.00265 and 0.00707; ExAC 0.00884; gnomAD 0.02829 and 0.03012; TOPMed 0.03124; 1000 Genomes Project 0.03235; ESP Exome Variant Server 0.03314; 1000 Genomes Project 30x 0.03498.
gnomAD v4.1: 8,325 of 1,614,092 alleles (0.52%); highest among the groups gnomAD compares: African/African-American, 9.7%; 374 homozygotes.

Submissions (4):

Labcorp Genetics (formerly Invitae), Labcorp
Classification: Benign. Last evaluated: 2026-01-27. Review status: criteria provided, single submitter. Criteria: Invitae Variant Classification Sherloc (09022015). Collection method: clinical testing. Allele origin: germline.

Breakthrough Genomics
Classification: Benign. Review status: criteria provided, single submitter. Criteria: ACMG Guidelines, 2015. Collection method: not provided. Allele origin: germline. Inheritance: Autosomal recessive inheritance. Affected: yes.

PreventionGenetics, part of Exact Sciences
Classification: Benign for ANK3-related condition. Last evaluated: 2020-10-21. Review status: no assertion criteria provided. Collection method: clinical testing. Allele origin: germline. Not counted in ClinVar's aggregate classification.
Comment: This variant is classified as benign based on ACMG/AMP sequence variant interpretation guidelines (Richards et al. 2015 PMID: 25741868, with internal and published modifications).

Genetic Services Laboratory, University of Chicago
Classification: Likely benign for AllHighlyPenetrant. Review status: no assertion criteria provided. Collection method: clinical testing. Allele origin: germline. Inheritance: Autosomal recessive inheritance. Not counted in ClinVar's aggregate classification.
Comment: Likely benign based on allele frequency in 1000 Genomes Project or ESP global frequency and its presence in a patient with a rare or unrelated disease phenotype. NOT Sanger confirmed.